The following is an entry in ClinVar:

ClinVar aggregate classification (germline): Uncertain significance. Review status: criteria provided, single submitter (1 of 4 stars). 2 submissions from 2 submitters: Uncertain significance (1). 1 of the submissions does not count toward it. Last evaluated 2024-09-04.

Conditions:
ALPK2-related disorder. Also called: ALPK2-related condition.

Allele frequency attached by ClinVar (database versions not stated): ExAC 0.00054; 1000 Genomes Project 0.00060; 1000 Genomes Project 30x 0.00078; gnomAD exomes 0.00106; gnomAD 0.00143; ESP Exome Variant Server 0.00146.

Submissions (2):

Ambry Genetics
Classification: Uncertain significance. Last evaluated: 2024-09-04. Review status: criteria provided, single submitter. Criteria: Ambry Variant Classification Scheme 2023. Collection method: clinical testing. Allele origin: germline.
Comment: The p.D360N variant (also known as c.1078G>A), located in coding exon 3 of the ALPK2 gene, results from a G to A substitution at nucleotide position 1078. The aspartic acid at codon 360 is replaced by asparagine, an amino acid with highly similar properties. This amino acid position is conserved. In addition, this alteration is predicted to be tolerated by in silico analysis. Since supporting evidence is limited at this time, the clinical significance of this alteration remains unclear.

PreventionGenetics, part of Exact Sciences
Classification: Likely benign for ALPK2-related condition. Last evaluated: 2019-08-27. Review status: no assertion criteria provided. Collection method: clinical testing. Allele origin: germline. Not counted in ClinVar's aggregate classification.
Comment: This variant is classified as likely benign based on ACMG/AMP sequence variant interpretation guidelines (Richards et al. 2015 PMID: 25741868, with internal and published modifications).

NM_052947.4(ALPK2):c.1078G>A (p.Asp360Asn)

Genes: ALPK2 (alpha kinase 2; minus strand), LOC114803473 (ALPK2 eExon liver enhancer; plus strand). Cytogenetic location: 18q21.31.
Variant type: single nucleotide variant.
Coding change: c.1078G>A on transcript NM_052947.4 (MANE Select); coding-DNA position 1078, G replaced by A.
Protein change: p.Asp360Asn; replaces aspartic acid 360 with asparagine.
Molecular consequence: missense variant.
Genome position (GRCh38, 1-based): chr18:58,579,698, C>T on the plus strand (G>A on the coding strand, the complement: ALPK2 is on the minus strand). VCF-style: chr18-58579698-C-T. GRCh37 (hg19) VCF-style: chr18-56246930-C-T.
Other names: short protein forms D360N.
Identifiers: ClinVar variation 1785473 (VCV001785473.5), dbSNP rs140973320, ClinGen allele CA8977333.